The following is an entry in ClinVar:

ClinVar aggregate classification (germline): Pathogenic (1 of 4 stars; one submission).

Conditions:
Severe myoclonic epilepsy in infancy (DRVT). Also called: Epileptic encephalopathy, early infantile, 6 (Dravet syndrome); SEVERE MYOCLONIC EPILEPSY OF INFANCY; DEVELOPMENTAL AND EPILEPTIC ENCEPHALOPATHY 6A; Severe Myoclonic Epilepsy in Infancy (SMEI); Dravet syndrome. Identifiers: Orphanet 33069, MedGen C0751122, MONDO:0100135, OMIM 607208.

Submission:

Center for Bioinformatics, Peking University
Classification: Pathogenic for Dravet syndrome. Last evaluated: 2014-12-20. Review status: criteria provided, single submitter. Criteria: Xu et al. (Hum Mutat. 2015). Collection method: research. Allele origin: de novo. Affected: yes. Observed: 1 variant allele. Study: University Clinical Cooperation “985 Project” PKU-2014-1-1.
Comment: Dravet syndrome (DS) probands were recruited from the outpatient and inpatient child neurology units of Peking University First Hospital from 2005 till present. The study was approved by the Ethics Committee of Peking University First Hospital and the Institutional Review Board at Peking University. Participants or their parents provided written informed consent before enrollment. We collected a total of 267 mutations from 255 families with probands diagnosed with DS in China. All probands fulfilled the clinical diagnostic criteria.

NM_001165963.4(SCN1A):c.5106T>A (p.Asp1702Glu)

Genes: SCN1A (sodium voltage-gated channel alpha subunit 1; minus strand), LOC102724058 (uncharacterized LOC102724058; plus strand). Cytogenetic location: 2q24.3.
Variant type: single nucleotide variant.
Coding change: c.5106T>A on transcript NM_001165963.4 (MANE Select); coding-DNA position 5106, T replaced by A.
Protein change: p.Asp1702Glu; replaces aspartic acid 1702 with glutamic acid.
Molecular consequence: missense variant. On other transcripts: non-coding transcript variant (1).
Genome position (GRCh38, 1-based): chr2:165,992,169, A>T on the plus strand (T>A on the coding strand, the complement: SCN1A is on the minus strand). VCF-style: chr2-165992169-A-T. GRCh37 (hg19) VCF-style: chr2-166848679-A-T.
Other names: c.5022T>A, p.Asp1674Glu (NM_001165964.3, NM_001353957.2, NM_001353958.2); c.5106T>A, p.Asp1702Glu (NM_001202435.3, NM_001353948.2); c.5073T>A, p.Asp1691Glu (NM_001353949.2, NM_001353950.2, NM_001353951.2 and 2 more transcripts); c.5070T>A, p.Asp1690Glu (NM_001353954.2, NM_001353955.2); c.5019T>A, p.Asp1673Glu (NM_001353960.2); c.2664T>A, p.Asp888Glu (NM_001353961.2); short protein forms D1691E, D1702E, D888E, D1674E, D1673E, D1690E.
Identifiers: ClinVar variation 189970 (VCV000189970.1), dbSNP rs794726804, ClinGen allele CA303444.